The following is an entry in ClinVar:

NM_024989.4(PGAP1):c.55T>C (p.Phe19Leu)

Gene: PGAP1 (post-GPI attachment to proteins inositol deacylase 1; minus strand). Cytogenetic location: 2q33.1.
Variant type: single nucleotide variant.
Coding change: c.55T>C on transcript NM_024989.4 (MANE Select); coding-DNA position 55, T replaced by C.
Protein change: p.Phe19Leu; replaces phenylalanine 19 with leucine.
Molecular consequence: missense variant. On other transcripts: 5 prime UTR variant (2).
Genome position (GRCh38, 1-based): chr2:196,926,562, A>G on the plus strand (T>C on the coding strand, the complement: PGAP1 is on the minus strand). VCF-style: chr2-196926562-A-G. GRCh37 (hg19) VCF-style: chr2-197791286-A-G.
Other names: c.-552T>C (NM_001321099.2); c.-1057T>C (NM_001321100.2); short protein forms F19L.
Identifiers: ClinVar variation 1040896 (VCV001040896.13), dbSNP rs749719250, ClinGen allele CA2041309.
Genomic context (GRCh38, chr2:196,926,562, plus strand): 5'-TACTGCACTTATTCTCCTCGAAGCCGAAGAAGACATCCCACAGCCCCAGGGTTGCCAGAA[A>G]GACCATGAAGACATAAAACGCCAGGTTCCAGAGATTAACTGAGTGAAGAAACATGGTGCC-3'
Protein context (NP_079265.2, residues 9-29): WNLAFYVFMV[Phe19Leu]LATLGLWDVF

ClinVar aggregate classification (germline): Uncertain significance. Review status: criteria provided, multiple submitters, no conflicts (2 of 4 stars). 3 submissions from 3 submitters: Uncertain significance (3). Last evaluated 2025-10-22.

Conditions:
Inborn genetic diseases. Identifiers: MedGen C0950123, MeSH D030342.
Hereditary spastic paraplegia. Also called: Familial spastic paraparesis. Identifiers: Orphanet 685, MedGen C0037773, MONDO:0019064. Disease mechanism: loss of function.
Intellectual disability, autosomal recessive 42 (NEDDSBA). Also called: GLYCOSYLPHOSPHATIDYLINOSITOL BIOSYNTHESIS DEFECT 9; Neurodevelopmental disorder with dysmorphic features, spasticity, and brain abnormalities. Identifiers: Orphanet 88616, MedGen C4014343, MONDO:0014348, OMIM 615802.

Allele frequency attached by ClinVar (database versions not stated): gnomAD exomes 0.00007 and 0.00016; ExAC 0.00010; TOPMed 0.00010; gnomAD 0.00011.
gnomAD v4.1: 243 of 1,613,990 alleles (0.015%); highest among the groups gnomAD compares: Non-Finnish European, 0.019%; no homozygotes.

Submissions (3):

Ambry Genetics
Classification: Uncertain significance for Inborn genetic diseases. Last evaluated: 2025-10-22. Review status: criteria provided, single submitter. Criteria: Ambry Variant Classification Scheme 2023. Collection method: clinical testing. Allele origin: germline.

Labcorp Genetics (formerly Invitae), Labcorp
Classification: Uncertain significance for Intellectual disability, autosomal recessive 42. Last evaluated: 2020-11-14. Review status: criteria provided, single submitter. Criteria: Invitae Variant Classification Sherloc (09022015). Collection method: clinical testing. Allele origin: germline.
Comment: In summary, the available evidence is currently insufficient to determine the role of this variant in disease. Therefore, it has been classified as a Variant of Uncertain Significance. Algorithms developed to predict the effect of missense changes on protein structure and function output the following: SIFT: "Tolerated"; PolyPhen-2: "Benign"; Align-GVGD: "Class C0". The leucine amino acid residue is found in multiple mammalian species, suggesting that this missense change does not adversely affect protein function. These predictions have not been confirmed by published functional studies and their clinical significance is uncertain. This variant has not been reported in the literature in individuals with PGAP1-related disease. This variant is present in population databases (rs749719250, ExAC 0.01%). This sequence change replaces phenylalanine with leucine at codon 19 of the PGAP1 protein (p.Phe19Leu). The phenylalanine residue is moderately conserved and there is a small physicochemical difference between phenylalanine and leucine.

Genome Diagnostics Laboratory, The Hospital for Sick Children
Classification: Uncertain significance for Hereditary spastic paraplegia. Last evaluated: 2018-05-01. Review status: criteria provided, single submitter. Criteria: ACMG Guidelines, 2015. Collection method: clinical testing. Allele origin: germline. Affected: yes.